The following is an entry in ClinVar:

ClinVar aggregate classification (germline): Uncertain significance (1 of 4 stars; one submission).

Allele frequency attached by ClinVar (database versions not stated): gnomAD exomes below 0.00001.

Submission:

Labcorp Genetics (formerly Invitae), Labcorp
Classification: Uncertain significance. Last evaluated: 2022-04-25. Review status: criteria provided, single submitter. Criteria: Invitae Variant Classification Sherloc (09022015). Collection method: clinical testing. Allele origin: germline.
Comment: Experimental studies and prediction algorithms are not available or were not evaluated, and the functional significance of this variant is currently unknown. In summary, the available evidence is currently insufficient to determine the role of this variant in disease. Therefore, it has been classified as a Variant of Uncertain Significance. This variant has not been reported in the literature in individuals affected with KAT6A-related conditions. This variant is not present in population databases (gnomAD no frequency). This sequence change disrupts the translational stop signal of the KAT6A mRNA. It is expected to extend the length of the KAT6A protein by 3 additional amino acid residues.

NM_006766.5(KAT6A):c.6013T>A (p.Ter2005Arg)

Gene: KAT6A (lysine acetyltransferase 6A; minus strand). Cytogenetic location: 8p11.21.
Variant type: single nucleotide variant.
Coding change: c.6013T>A on transcript NM_006766.5 (MANE Select); coding-DNA position 6013, T replaced by A.
Protein change: p.Ter2005Arg.
Molecular consequence: stop lost.
Genome position (GRCh38, 1-based): chr8:41,932,207, A>T on the plus strand (T>A on the coding strand, the complement: KAT6A is on the minus strand). VCF-style: chr8-41932207-A-T. GRCh37 (hg19) VCF-style: chr8-41789725-A-T.
Identifiers: ClinVar variation 2130438 (VCV002130438.4), dbSNP rs2486749755, ClinGen allele CA371058505.